The following is an entry in ClinVar:

ClinVar aggregate classification (germline): Pathogenic. Review status: criteria provided, multiple submitters, no conflicts (2 of 4 stars). 9 submissions from 9 submitters: Pathogenic (7). 2 of the submissions do not count toward it. Last evaluated 2025-08-11.

Conditions:
EZH2-related disorder.
Weaver syndrome (WVS). Also called: Weaver Smith syndrome; Overgrowth syndrome with accelerated skeletal maturation, unusual facies, and camptodactyly. Identifiers: Orphanet 3447, MedGen C0265210, MONDO:0010193, OMIM 277590.

Submissions (9):

3billion
Classification: Pathogenic for Weaver syndrome. Last evaluated: 2025-08-11. Review status: criteria provided, single submitter. Criteria: ACMG Guidelines, 2015. Collection method: clinical testing. Allele origin: germline. Affected: yes.
Comment: The variant is not observed in the gnomAD v4.1.0 dataset. Predicted Consequence/Location: Missense variant. Missense changes are a common disease-causing mechanism. In silico tool predictions suggest damaging effect of the variant on gene or gene product [REVEL: 0.90 (>=0.6, sensitivity 0.68 and specificity 0.92); 3Cnet: 0.99 (> 0.75, sensitivity 0.96 and precision 0.92)]. The same nucleotide change resulting in the same amino acid change has been previously reported as pathogenic/likely pathogenic with strong evidence (ClinVar ID: VCV000158582 /PMID: 22190405 /3billion dataset). The variant has been observed in multiple (>3) similarly affected unrelated individuals (PMID: 22190405). A different missense change at the same codon (p.Arg684His) has been reported to be associated with EZH2-related disorder (PMID: 24214728). Therefore, this variant is classified as Pathogenic according to the recommendation of ACMG/AMP guideline.

Institute of Human Genetics, Clinical Exome/Genome Diagnostics Group, University Hospital Bonn
Classification: Pathogenic for Weaver syndrome. Last evaluated: 2024-07-23. Review status: criteria provided, single submitter. Criteria: ACMG Guidelines, 2015. Collection method: clinical testing. Allele origin: de novo. Affected: yes.

Labcorp Genetics (formerly Invitae), Labcorp
Classification: Pathogenic for Weaver syndrome. Last evaluated: 2023-12-02. Review status: criteria provided, single submitter. Criteria: Invitae Variant Classification Sherloc (09022015). Collection method: clinical testing. Allele origin: germline.
Comment: This sequence change replaces arginine, which is basic and polar, with cysteine, which is neutral and slightly polar, at codon 684 of the EZH2 protein (p.Arg684Cys). This variant is not present in population databases (gnomAD no frequency). This missense change has been observed in individual(s) with clinical features of Weaver syndrome (PMID: 22190405, 26694085, 29802153). In at least one individual the variant was observed to be de novo. ClinVar contains an entry for this variant (Variation ID: 158582). Advanced modeling of protein sequence and biophysical properties (such as structural, functional, and spatial information, amino acid conservation, physicochemical variation, residue mobility, and thermodynamic stability) performed at Invitae indicates that this missense variant is expected to disrupt EZH2 protein function with a positive predictive value of 80%. For these reasons, this variant has been classified as Pathogenic.

Blueprint Genetics
Classification: Pathogenic for EZH2-related disorders. Last evaluated: 2022-11-23. Review status: criteria provided, single submitter. Criteria: ACMG Guidelines, 2015. Collection method: clinical testing. Allele origin: germline. Affected: yes. Observed: 1 variant allele.

GeneDx
Classification: Pathogenic. Last evaluated: 2022-08-16. Review status: criteria provided, single submitter. Criteria: GeneDx Variant Classification Process June 2021. Collection method: clinical testing. Allele origin: germline. Affected: yes.
Comment: Published functional studies demonstrate a damaging effect indicating that R684C impairs histone methyltransferase activity in vitro (Cohen et al., 2016); Not observed in large population cohorts (gnomAD); In silico analysis supports that this missense variant has a deleterious effect on protein structure/function; This variant is associated with the following publications: (PMID: 26694085, 23568486, 22190405, 24214728, 29276005, 29802153, 33144682, 33240318, 31785789)

Equipe Genetique des Anomalies du Developpement, Université de Bourgogne
Classification: Pathogenic for Weaver syndrome. Last evaluated: 2021-10-18. Review status: criteria provided, single submitter. Criteria: ACMG Guidelines, 2015. Collection method: clinical testing. Allele origin: maternal. Affected: yes.

Genetic Services Laboratory, University of Chicago
Classification: Pathogenic for Weaver syndrome. Last evaluated: 2013-02-08. Review status: criteria provided, single submitter. Criteria: ACMG Guidelines, 2007. Collection method: clinical testing. Allele origin: germline. Inheritance: Autosomal dominant inheritance. Affected: yes.

PreventionGenetics, part of Exact Sciences
Classification: Pathogenic for EZH2-related condition. Last evaluated: 2024-04-04. Review status: no assertion criteria provided. Collection method: clinical testing. Allele origin: germline. Not counted in ClinVar's aggregate classification.
Comment: The EZH2 c.2050C>T variant is predicted to result in the amino acid substitution p.Arg684Cys. This variant was reported to be causative for Weaver syndrome and has been observed to have arisen de novo in multiple cases (Tatton-Brown et al. 2011. PubMed ID: 22190405; Cohen et al. 2016. PubMed ID: 26694085; Table S1, Zhu et al. 2020. PubMed ID: 33240318). Functional studies showed that this variant impairs the histone methyltransferase activity (Cohen et al. 2016. PubMed ID: 26694085). This variant has not been reported in a large population database, indicating this variant is rare. This variant is interpreted as pathogenic.

OMIM
Classification: Pathogenic for WEAVER SYNDROME. Last evaluated: 2022-08-11. Review status: no assertion criteria provided. Collection method: literature only. Allele origin: germline. Not counted in ClinVar's aggregate classification.

Literature cited by the submitters: PubMed 22190405 (cited by 3billion and Labcorp Genetics (formerly Invitae), Labcorp); PubMed 24214728 (cited by 3billion); PubMed 26694085 (cited by Labcorp Genetics (formerly Invitae), Labcorp); PubMed 29802153 (cited by Labcorp Genetics (formerly Invitae), Labcorp); PubMed 30613354 (cited by OMIM).

NM_004456.5(EZH2):c.2050C>T (p.Arg684Cys)

Gene: EZH2 (enhancer of zeste 2 polycomb repressive complex 2 subunit; minus strand). Cytogenetic location: 7q36.1.
Variant type: single nucleotide variant.
Coding change: c.2050C>T on transcript NM_004456.5 (MANE Select); coding-DNA position 2050, C replaced by T.
Protein change: p.Arg684Cys; replaces arginine 684 with cysteine.
Molecular consequence: missense variant.
Genome position (GRCh38, 1-based): chr7:148,809,370, G>A on the plus strand (C>T on the coding strand, the complement: EZH2 is on the minus strand). VCF-style: chr7-148809370-G-A. GRCh37 (hg19) VCF-style: chr7-148506462-G-A.
Other names: c.2035C>T, p.Arg679Cys (NM_001203247.2); c.2008C>T, p.Arg670Cys (NM_001203248.2); c.1882C>T, p.Arg628Cys (NM_001203249.2); c.1918C>T, p.Arg640Cys (NM_152998.3); short protein forms R684C, R628C, R679C, R640C, R670C.
Identifiers: ClinVar variation 158582 (VCV000158582.27), dbSNP rs587783626, ClinGen allele CA271512.